The following is an entry in ClinVar:

NM_020971.3(SPTBN4):c.7240C>G (p.Pro2414Ala)

Genes: SPTBN4 (spectrin beta, non-erythrocytic 4; plus strand), LOC130064467 (ATAC-STARR-seq lymphoblastoid silent region 10632; plus strand). Cytogenetic location: 19q13.2.
Variant type: single nucleotide variant.
Coding change: c.7240C>G on transcript NM_020971.3 (MANE Select); coding-DNA position 7240, C replaced by G.
Protein change: p.Pro2414Ala; replaces proline 2414 with alanine.
Molecular consequence: missense variant.
Genome position (GRCh38, 1-based): chr19:40,570,649, C>G. VCF-style: chr19-40570649-C-G. GRCh37 (hg19) VCF-style: chr19-41076555-C-G.
Other names: short protein forms P2414A.
Identifiers: ClinVar variation 1249306 (VCV001249306.4), dbSNP rs370564309, ClinGen allele CA9446917.

ClinVar aggregate classification (germline): Benign. Review status: criteria provided, multiple submitters, no conflicts (2 of 4 stars). 3 submissions from 3 submitters: Benign (3). Last evaluated 2025-08-13.

Conditions:
SPTBN4-related disorder. Also called: SPTBN4-related condition.

Allele frequency attached by ClinVar (database versions not stated): gnomAD 0.00006 and 0.00184; TOPMed 0.00038; gnomAD exomes 0.00801; 1000 Genomes Project 0.01238; 1000 Genomes Project 30x 0.01265; ExAC 0.02657.
gnomAD v4.1: 4,197 of 1,525,728 alleles (0.28%); highest among the groups gnomAD compares: South Asian, 4.8%; 145 homozygotes.

Submissions (3):

PreventionGenetics, part of Exact Sciences
Classification: Benign for SPTBN4-related condition. Last evaluated: 2025-08-13. Review status: criteria provided, single submitter. Criteria: ACMG Guidelines, 2015. Collection method: clinical testing. Allele origin: germline.
Comment: This variant is classified as benign based on ACMG/AMP sequence variant interpretation guidelines (Richards et al. 2015 PMID: 25741868, with internal and published modifications).

GeneDx
Classification: Benign. Last evaluated: 2021-05-05. Review status: criteria provided, single submitter. Criteria: GeneDx Variant Classification Process June 2021. Collection method: clinical testing. Allele origin: germline. Affected: yes.

Breakthrough Genomics
Classification: Benign. Review status: criteria provided, single submitter. Criteria: ACMG Guidelines, 2015. Collection method: not provided. Allele origin: germline. Inheritance: Autosomal recessive inheritance. Affected: yes.